The following is an entry in ClinVar:

ClinVar aggregate classification (germline): Pathogenic (1 of 4 stars; one submission).

Submission:

Labcorp Genetics (formerly Invitae), Labcorp
Classification: Pathogenic. Last evaluated: 2023-07-26. Review status: criteria provided, single submitter. Criteria: Invitae Variant Classification Sherloc (09022015). Collection method: clinical testing. Allele origin: germline.
Comment: This sequence change creates a premature translational stop signal (p.Glu380Argfs*3) in the CEP135 gene. It is expected to result in an absent or disrupted protein product. Loss-of-function variants in CEP135 are known to be pathogenic (PMID: 22521416, 26657937). This variant is not present in population databases (gnomAD no frequency). This variant has not been reported in the literature in individuals affected with CEP135-related conditions. For these reasons, this variant has been classified as Pathogenic.

Literature cited by the submitters: PubMed 22521416; PubMed 26657937.

NM_025009.5(CEP135):c.1138del (p.Glu380fs)

Gene: CEP135 (centrosomal protein 135; plus strand). Cytogenetic location: 4q12.
Variant type: Deletion.
Coding change: c.1138del on transcript NM_025009.5 (MANE Select); coding-DNA position 1138, one base deleted (G; older notation c.1138delG).
Protein change: p.Glu380fs; shifts the reading frame from glutamic acid 380.
Molecular consequence: frameshift variant.
Genome position (GRCh38, 1-based): chr4:55,971,297, G deleted; the last of 2 consecutive G bases (chr4:55,971,296-55,971,297); deleting either gives the same sequence. VCF-style (leftmost placement, unchanged base first): chr4-55971295-AG-A. GRCh37 (hg19) VCF-style: chr4-56837461-AG-A.
Other names: short protein forms E380fs.
Identifiers: ClinVar variation 2819957 (VCV002819957.3), dbSNP rs2476055943, ClinGen allele CA2739270079.